The following is an entry in ClinVar:

NM_004187.5(KDM5C):c.399G>T (p.Arg133=)

Gene: KDM5C (lysine demethylase 5C; minus strand). Cytogenetic location: Xp11.22.
Variant type: single nucleotide variant.
Coding change: c.399G>T on transcript NM_004187.5 (MANE Select); coding-DNA position 399, G replaced by T.
Protein change: p.Arg133=; no amino-acid change (arginine 133 retained).
Molecular consequence: synonymous variant. On other transcripts: non-coding transcript variant (3).
Genome position (GRCh38, 1-based): chrX:53,217,919, C>A on the plus strand (G>T on the coding strand, the complement: KDM5C is on the minus strand). VCF-style: chrX-53217919-C-A. GRCh37 (hg19) VCF-style: chrX-53247101-C-A.
Other names: c.399G>T, p.Arg133= (NM_001353979.2, NM_001353981.2, NM_001353982.2 and 3 more transcripts); c.198G>T, p.Arg66= (NM_001146702.2).
Identifiers: ClinVar variation 3389679 (VCV003389679.14).

ClinVar aggregate classification (germline): Likely benign (1 of 4 stars; one submission).

Submission:

CeGaT Center for Human Genetics Tuebingen
Classification: Likely benign. Last evaluated: 2024-09-01. Review status: criteria provided, single submitter. Criteria: CeGaT Center For Human Genetics Tuebingen Variant Classification Criteria Version 2. Collection method: clinical testing. Allele origin: germline. Affected: yes. Observed: 1 variant allele.
Comment: KDM5C: PM2:Supporting, BP4, BP7